The following is an entry in ClinVar:

ClinVar aggregate classification (germline): Uncertain significance (1 of 4 stars; one submission).

Conditions:
Hereditary cancer-predisposing syndrome. Also called: Tumor predisposition; Neoplastic Syndromes, Hereditary; Hereditary Cancer Syndrome; Hereditary neoplastic syndrome. Identifiers: Orphanet 140162, MedGen C0027672, MeSH D009386, MONDO:0015356.

Submission:

Ambry Genetics
Classification: Uncertain significance for Hereditary cancer-predisposing syndrome. Last evaluated: 2024-09-16. Review status: criteria provided, single submitter. Criteria: Ambry Variant Classification Scheme 2023. Collection method: clinical testing. Allele origin: germline.
Comment: The p.C72Y variant (also known as c.215G>A), located in coding exon 2 of the CDKN2A gene, results from a G to A substitution at nucleotide position 215. The cysteine at codon 72 is replaced by tyrosine, an amino acid with highly dissimilar properties. Of note, this alteration is also known as c.258G>A (p.L86L)in the p14(ARF) isoform. This amino acid position is not well conserved in available vertebrate species. In addition, the in silico prediction for this alteration is inconclusive. Based on the available evidence, the clinical significance of this variant remains unclear.

NM_000077.5(CDKN2A):c.215G>A (p.Cys72Tyr)

Gene: CDKN2A (cyclin dependent kinase inhibitor 2A; minus strand). Cytogenetic location: 9p21.3.
Variant type: single nucleotide variant.
Coding change: c.215G>A on transcript NM_000077.5; coding-DNA position 215, G replaced by A.
Protein change: p.Cys72Tyr; replaces cysteine 72 with tyrosine.
Molecular consequence: missense variant (on NM_000077.6). On other transcripts: synonymous variant (1), 3 prime UTR variant (1).
Genome position (GRCh38, 1-based): chr9:21,971,144, C>T on the plus strand (G>A on the coding strand, the complement: CDKN2A is on the minus strand). VCF-style: chr9-21971144-C-T. GRCh37 (hg19) VCF-style: chr9-21971143-C-T.
Other names: c.215G>A, p.Cys72Tyr (NM_000077.6, NM_001195132.2); c.62G>A, p.Cys21Tyr (NM_001363763.2); c.258G>A, p.Leu86= (NM_058195.4); c.*138G>A (NM_058197.5); short protein forms C72Y, C21Y.
Identifiers: ClinVar variation 3489668 (VCV003489668.1).